The following is an entry in ClinVar:

NM_198253.3(TERT):c.1691C>T (p.Thr564Met)

Gene: TERT (telomerase reverse transcriptase; minus strand). Cytogenetic location: 5p15.33.
Variant type: single nucleotide variant.
Coding change: c.1691C>T on transcript NM_198253.3 (MANE Select); coding-DNA position 1691, C replaced by T.
Protein change: p.Thr564Met; replaces threonine 564 with methionine.
Molecular consequence: missense variant. On other transcripts: non-coding transcript variant (2).
Genome position (GRCh38, 1-based): chr5:1,282,507, G>A on the plus strand (C>T on the coding strand, the complement: TERT is on the minus strand). VCF-style: chr5-1282507-G-A. GRCh37 (hg19) VCF-style: chr5-1282622-G-A.
Other names: c.1691C>T, p.Thr564Met (NM_001193376.3); short protein forms T564M.
Identifiers: ClinVar variation 835985 (VCV000835985.12), dbSNP rs1251489309, ClinGen allele CA359083057.
Genomic context (GRCh38, chr5:1,282,507, plus strand): 5'-AACTTGCTCCAGACACTCTTCCGGTAGAAAAAGAGCCTGTTCTTTTGAAACGTGGTCTCC[G>A]TGACATAAAAGAAAGACCTGAGCAGCTCGACGACGTACACACTCATCAGCCAGTGCAGGA-3'
Protein context (NP_937983.2, residues 554-574): VELLRSFFYV[Thr564Met]ETTFQKNRLF

ClinVar aggregate classification (germline): Conflicting classifications of pathogenicity. Review status: criteria provided, conflicting classifications (1 of 4 stars). 4 submissions from 4 submitters: Likely pathogenic (1); Uncertain significance (3). Last evaluated 2026-09-17.

Conditions:
TERT-related disorder. Also called: TERT-related condition; TERT-related disorders.
Pulmonary fibrosis and/or bone marrow failure, Telomere-related, 1. Also called: PULMONARY FIBROSIS AND/OR BONE MARROW FAILURE SYNDROME, TELOMERE-RELATED, 1. Identifiers: Orphanet 88, MedGen C3553617, MONDO:0013878, OMIM 614742.
Idiopathic Pulmonary Fibrosis. Also called: Idiopathic fibrosing alveolitis, chronic form; idiopathic fibrosing alveolitis. Identifiers: Orphanet 2032, MedGen C1800706, MeSH D054990, MONDO:0800504.
Dyskeratosis congenita, autosomal dominant 2. Identifiers: MedGen C3151443, MONDO:0013521, OMIM 613989.

Allele frequency attached by ClinVar (database versions not stated): gnomAD exomes below 0.00001; TOPMed below 0.00001.
gnomAD v4.1: 1 of 1,614,158 alleles (0.000062%); highest among the groups gnomAD compares: African/African-American, 0.0013%; no homozygotes.

Submissions (4):

Molecular Genetics Laboratory, Motol Hospital
Classification: Likely pathogenic for Pulmonary fibrosis and/or bone marrow failure, Telomere-related, 1. Last evaluated: 2026-09-17. Review status: criteria provided, single submitter. Criteria: ACMG Guidelines, 2015. Collection method: clinical testing. Allele origin: germline. Inheritance: Sporadic. Affected: yes. Observed: 1 variant allele, 1 heterozygote.
Comment: A rare variant present in African/African American population (1x heterozygous, 1/75050, gnomAD v4.1.2) (PM2). Reported in dbSNP (rs1251489309) and ClinVar (Variation ID: 835985) and in the study Ley et al. 2019 (PMID:31268371) - in individual(s) with pulmonary disease (chronic hypersensitivity pneumonitis). Rare missense variants in the TERT gene are associated with autosomal dominant telomere-related pulmonary fibrosis and/or bone marrow failure syndrome 1 (OMIM # 614742) (PP2, PP3, PP4). The variant is classified as likely pathogenic (ACMG class 4).

PreventionGenetics, part of Exact Sciences
Classification: Uncertain significance for TERT-related condition. Last evaluated: 2025-03-01. Review status: criteria provided, single submitter. Criteria: ACMG Guidelines, 2015. Collection method: clinical testing. Allele origin: germline.
Comment: The TERT c.1691C>T variant is predicted to result in the amino acid substitution p.Thr564Met. This variant has been reported in a cohort study with chronic hypersensitivity pneumonitis (Ley et al. 2019. PubMed ID: 31268371). This variant is reported in 0.0062% of alleles in individuals of African descent in gnomAD. At this time, the clinical significance of this variant is uncertain due to the absence of conclusive functional and genetic evidence.

Labcorp Genetics (formerly Invitae), Labcorp
Classification: Uncertain significance for Dyskeratosis congenita, autosomal dominant 2; Idiopathic Pulmonary Fibrosis. Last evaluated: 2023-04-10. Review status: criteria provided, single submitter. Criteria: Invitae Variant Classification Sherloc (09022015). Collection method: clinical testing. Allele origin: germline.
Comment: In summary, the available evidence is currently insufficient to determine the role of this variant in disease. Therefore, it has been classified as a Variant of Uncertain Significance. Advanced modeling of protein sequence and biophysical properties (such as structural, functional, and spatial information, amino acid conservation, physicochemical variation, residue mobility, and thermodynamic stability) performed at Invitae indicates that this missense variant is expected to disrupt TERT protein function. ClinVar contains an entry for this variant (Variation ID: 835985). This missense change has been observed in individual(s) with chronic hypersensitivity pneumonitis (PMID: 31268371). This variant is present in population databases (no rsID available, gnomAD 0.007%). This sequence change replaces threonine, which is neutral and polar, with methionine, which is neutral and non-polar, at codon 564 of the TERT protein (p.Thr564Met).

Blueprint Genetics
Classification: Uncertain significance. Last evaluated: 2019-05-13. Review status: criteria provided, single submitter. Criteria: ACMG Guidelines, 2015. Collection method: clinical testing. Allele origin: germline.

Literature cited by the submitters: PubMed 18635888 (cited by Molecular Genetics Laboratory, Motol Hospital); PubMed 31268371 (cited by Molecular Genetics Laboratory, Motol Hospital and Labcorp Genetics (formerly Invitae), Labcorp).